The following is an entry in ClinVar:

ClinVar aggregate classification (germline): Uncertain significance (1 of 4 stars; one submission).

gnomAD v4.1: 1 of 1,614,164 alleles (0.000062%); highest among the groups gnomAD compares: Admixed American, 0.0017%; no homozygotes.

Submission:

Labcorp Genetics (formerly Invitae), Labcorp
Classification: Uncertain significance. Last evaluated: 2024-08-28. Review status: criteria provided, single submitter. Criteria: Invitae Variant Classification Sherloc (09022015). Collection method: clinical testing. Allele origin: germline.
Comment: This sequence change replaces aspartic acid, which is acidic and polar, with asparagine, which is neutral and polar, at codon 713 of the CDH2 protein (p.Asp713Asn). This variant is present in population databases (no rsID available, gnomAD 0.003%). This variant has not been reported in the literature in individuals affected with CDH2-related conditions. An algorithm developed to predict the effect of missense changes on protein structure and function (PolyPhen-2) suggests that this variant is likely to be tolerated. In summary, the available evidence is currently insufficient to determine the role of this variant in disease. Therefore, it has been classified as a Variant of Uncertain Significance.

NM_001792.5(CDH2):c.2137G>A (p.Asp713Asn)

Gene: CDH2 (cadherin 2; minus strand). Cytogenetic location: 18q12.1.
Variant type: single nucleotide variant.
Coding change: c.2137G>A on transcript NM_001792.5 (MANE Select); coding-DNA position 2137, G replaced by A.
Protein change: p.Asp713Asn; replaces aspartic acid 713 with asparagine.
Molecular consequence: missense variant.
Genome position (GRCh38, 1-based): chr18:27,985,072, C>T on the plus strand (G>A on the coding strand, the complement: CDH2 is on the minus strand). VCF-style: chr18-27985072-C-T. GRCh37 (hg19) VCF-style: chr18-25565036-C-T.
Other names: c.2044G>A, p.Asp682Asn (NM_001308176.2); short protein forms D713N, D682N.
Identifiers: ClinVar variation 2793585 (VCV002793585.3), dbSNP rs199712566, ClinGen allele CA402106793.
Genomic context (GRCh38, chr18:27,985,072, plus strand): 5'-TGATGCAGAGCAGGATGGCAATGATGGCACCGGTGCCAAGCCCCGCACCCACAATCCTGT[C>T]CACATCTGTGCAGTCCCCGTTGGAGTCACACTGGCAAACCTTCACACGCAGGATGGAAAT-3'
Protein context (NP_001783.2, residues 703-723): CDSNGDCTDV[Asp713Asn]RIVGAGLGTG